The following is an entry in ClinVar:

ClinVar aggregate classification (germline): Uncertain significance (1 of 4 stars; one submission).

Conditions:
X-linked progressive cerebellar ataxia. Also called: OLIVOPONTOCEREBELLAR ATROPHY, X-LINKED; OPCA, X-LINKED; Spinocerebellar ataxia, X-linked 1. Identifiers: Orphanet 1175, MedGen C0796205, MONDO:0010547, OMIM 302500.

Submission:

Baylor Genetics
Classification: Uncertain significance for X-linked progressive cerebellar ataxia. Last evaluated: 2019-07-25. Review status: criteria provided, single submitter. Criteria: ACMG Guidelines, 2015. Collection method: clinical testing. Allele origin: unknown. Affected: yes.
Comment: This variant was determined to be of uncertain significance according to ACMG Guidelines, 2015 [PMID:25741868].

NM_001001344.3(ATP2B3):c.1976C>T (p.Pro659Leu)

Gene: ATP2B3 (ATPase plasma membrane Ca2+ transporting 3; plus strand). Cytogenetic location: Xq28.
Variant type: single nucleotide variant.
Coding change: c.1976C>T on transcript NM_001001344.3 (MANE Select); coding-DNA position 1976, C replaced by T.
Protein change: p.Pro659Leu; replaces proline 659 with leucine.
Molecular consequence: missense variant.
Genome position (GRCh38, 1-based): chrX:153,553,187, C>T. VCF-style: chrX-153553187-C-T. GRCh37 (hg19) VCF-style: chrX-152818645-C-T.
Other names: c.1976C>T, p.Pro659Leu (NM_001388360.1, NM_001388361.1, NM_001388362.1 and 1 more transcripts); short protein forms P659L.
Identifiers: ClinVar variation 1028404 (VCV001028404.1), dbSNP rs2090483867, ClinGen allele CA415086206.